The following is an entry in ClinVar:

ClinVar aggregate classification (germline): Uncertain significance (1 of 4 stars; one submission).

Submission:

ISCA site 4
Classification: Uncertain significance. Last evaluated: 2011-08-12. Review status: criteria provided, single submitter. Criteria: Kaminsky et al. (Genet Med. 2011). Collection method: clinical testing. Allele origin: unknown. Affected: yes. Observed: 1 variant allele.
Comment: Copy number variation identified through the course of routine clinical cytogenomic testing in postnatal populations. Clinical assertions have been curated as described in Kaminsky et al. 2011.

GRCh38/hg38 4q22.3-23(chr4:97580187-98539015)x3

Genes: RAP1GDS1 (Rap1 GTPase-GDP dissociation stimulator 1; plus strand), STPG2 (sperm tail PG-rich repeat containing 2; minus strand), TSPAN5 (tetraspanin 5; minus strand), LOC121053189 (Sharpr-MPRA regulatory region 12770; plus strand), LOC123477791 (Sharpr-MPRA regulatory region 6700; plus strand) and 5 more. Cytogenetic location: 4q22.3-23.
Variant type: copy number gain.
Change: copy number 3 (three copies instead of two) of chr4:97,580,187-98,539,015 (958.8 kb, GRCh38 coordinates, 1-based), cytogenetic band 4q22.3-23.
Identifiers: ClinVar variation 57375 (VCV000057375.1).